The following is an entry in ClinVar:

NM_004484.4(GPC3):c.660C>T (p.Ser220=)

Gene: GPC3 (glypican 3; minus strand). Cytogenetic location: Xq26.2.
Variant type: single nucleotide variant.
Coding change: c.660C>T on transcript NM_004484.4 (MANE Select); coding-DNA position 660, C replaced by T.
Protein change: p.Ser220=; no amino-acid change (serine 220 retained).
Molecular consequence: synonymous variant.
Genome position (GRCh38, 1-based): chrX:133,753,854, G>A on the plus strand (C>T on the coding strand, the complement: GPC3 is on the minus strand). VCF-style: chrX-133753854-G-A. GRCh37 (hg19) VCF-style: chrX-132887881-G-A.
Other names: p.Ser220=; c.660C>T, p.Ser220= (NM_001164617.2); c.612C>T, p.Ser204= (NM_001164618.2); c.498C>T, p.Ser166= (NM_001164619.2); c.660C>T (NM_001164617.1).
Identifiers: ClinVar variation 239945 (VCV000239945.98), dbSNP rs138450923, ClinGen allele CA10520812.

ClinVar aggregate classification (germline): Conflicting classifications of pathogenicity. Review status: criteria provided, conflicting classifications (1 of 4 stars). 11 submissions from 11 submitters: Uncertain significance (1); Benign (2); Likely benign (5). 3 of the submissions do not count toward it. Last evaluated 2026-01-21.

Conditions:
GPC3-related disorder. Also called: GPC3-related condition.
Wilms tumor 1 (WT1). Also called: Wilms tumor, somatic. Identifiers: Orphanet 654, MedGen CN033288, MONDO:0008679, OMIM 194070.
Inborn genetic diseases. Identifiers: MedGen C0950123, MeSH D030342.

Allele frequency attached by ClinVar (database versions not stated): 1000 Genomes Project 30x 0.00021; 1000 Genomes Project 0.00026; TOPMed 0.00039; gnomAD exomes 0.00042 and 0.00089; gnomAD 0.00048 and 0.00050; ExAC 0.00051; ESP Exome Variant Server 0.00066.
gnomAD v4.1: 1,006 of 1,209,627 alleles (0.083%); highest among the groups gnomAD compares: Non-Finnish European, 0.11%; no homozygotes.

Submissions (11):

Labcorp Genetics (formerly Invitae), Labcorp
Classification: Benign for Wilms tumor 1. Last evaluated: 2026-01-21. Review status: criteria provided, single submitter. Criteria: Invitae Variant Classification Sherloc (09022015). Collection method: clinical testing. Allele origin: germline.

Mayo Clinic Laboratories, Mayo Clinic
Classification: Benign. Last evaluated: 2025-03-11. Review status: criteria provided, single submitter. Criteria: ACMG Guidelines, 2015. Collection method: clinical testing. Allele origin: germline. Observed: 1 variant allele.
Comment: BS1, BS2, BP4, BP7

Blueprint Genetics
Classification: Likely benign. Last evaluated: 2024-09-10. Review status: criteria provided, single submitter. Criteria: ACMG Guidelines, 2015. Collection method: clinical testing. Allele origin: germline.

CeGaT Center for Human Genetics Tuebingen
Classification: Likely benign. Last evaluated: 2024-08-01. Review status: criteria provided, single submitter. Criteria: CeGaT Center For Human Genetics Tuebingen Variant Classification Criteria Version 2. Collection method: clinical testing. Allele origin: germline. Affected: yes. Observed: 5 variant alleles.
Comment: GPC3: BP4, BP7, BS2

Institute for Clinical Genetics, University Hospital TU Dresden, University Hospital TU Dresden
Classification: Uncertain significance. Last evaluated: 2021-11-03. Review status: criteria provided, single submitter. Criteria: ACMG Guidelines, 2015. Collection method: clinical testing. Allele origin: germline.

Genetic Services Laboratory, University of Chicago
Classification: Likely benign. Last evaluated: 2021-09-23. Review status: criteria provided, single submitter. Criteria: ACMG Guidelines, 2015. Collection method: clinical testing. Allele origin: germline. Affected: no.

GeneDx
Classification: Likely benign. Last evaluated: 2017-03-22. Review status: criteria provided, single submitter. Criteria: GeneDx Variant Classification (06012015). Collection method: clinical testing. Allele origin: germline. Affected: yes.
Comment: This variant is considered likely benign or benign based on one or more of the following criteria: it is a conservative change, it occurs at a poorly conserved position in the protein, it is predicted to be benign by multiple in silico algorithms, and/or has population frequency not consistent with disease.

Ambry Genetics
Classification: Likely benign for Inborn genetic diseases. Last evaluated: 2017-02-20. Review status: criteria provided, single submitter. Criteria: Ambry Variant Classification Scheme 2023. Collection method: clinical testing. Allele origin: germline.

PreventionGenetics, part of Exact Sciences
Classification: Likely benign for GPC3-related condition. Last evaluated: 2022-05-11. Review status: no assertion criteria provided. Collection method: clinical testing. Allele origin: germline. Not counted in ClinVar's aggregate classification.
Comment: This variant is classified as likely benign based on ACMG/AMP sequence variant interpretation guidelines (Richards et al. 2015 PMID: 25741868, with internal and published modifications).

Clinical Genetics DNA and cytogenetics Diagnostics Lab, Erasmus MC, Erasmus Medical Center
Classification: Likely benign. Review status: no assertion criteria provided. Collection method: clinical testing. Allele origin: germline. Affected: yes. Study: VKGL Data-share Consensus. Not counted in ClinVar's aggregate classification.

Genome Diagnostics Laboratory, University Medical Center Utrecht
Classification: Likely benign. Review status: no assertion criteria provided. Collection method: clinical testing. Allele origin: germline. Affected: yes. Study: VKGL Data-share Consensus. Not counted in ClinVar's aggregate classification.